The following is an entry in ClinVar:

ClinVar aggregate classification (germline): Uncertain significance (1 of 4 stars; one submission).

Conditions:
Evans syndrome, immunodeficiency, and premature immunosenescence associated with tripeptidyl-peptidase II deficiency. Identifiers: MedGen CN231723. Disease mechanism: loss of function.

gnomAD v4.1: 4 of 1,613,904 alleles (0.00025%); highest among the groups gnomAD compares: Non-Finnish European, 0.00034%; no homozygotes.

Submission:

Labcorp Genetics (formerly Invitae), Labcorp
Classification: Uncertain significance for Evans syndrome, immunodeficiency, and premature immunosenescence associated with tripeptidyl-peptidase II deficiency. Last evaluated: 2025-10-18. Review status: criteria provided, single submitter. Criteria: Invitae Variant Classification Sherloc (09022015). Collection method: clinical testing. Allele origin: germline.
Comment: This sequence change falls in intron 10 of the TPP2 gene. It does not directly change the encoded amino acid sequence of the TPP2 protein. This variant is not present in population databases (gnomAD no frequency). This variant has not been reported in the literature in individuals affected with TPP2-related conditions. Algorithms developed to predict the effect of sequence changes on RNA splicing suggest that this variant may disrupt the consensus splice site. In summary, the available evidence is currently insufficient to determine the role of this variant in disease. Therefore, it has been classified as a Variant of Uncertain Significance.

NM_001330588.2(TPP2):c.1245-10T>A

Gene: TPP2 (tripeptidyl peptidase 2; plus strand). Cytogenetic location: 13q33.1.
Variant type: single nucleotide variant.
Coding change: c.1245-10T>A on transcript NM_001330588.2 (MANE Select); 10 bases into the intron before coding-DNA position 1245, T replaced by A.
Molecular consequence: intron variant.
Genome position (GRCh38, 1-based): chr13:102,633,940, T>A. VCF-style: chr13-102633940-T-A. GRCh37 (hg19) VCF-style: chr13-103286290-T-A.
Other names: c.1245-10T>A (NM_001367947.1, NM_003291.4).
Identifiers: ClinVar variation 4806675 (VCV004806675.1).